The following is an entry in ClinVar:

NM_001127208.3(TET2):c.2409A>T (p.Gln803His)

Genes: TET2 (tet methylcytosine dioxygenase 2; plus strand), TET2-AS1 (TET2 antisense RNA 1; minus strand). Cytogenetic location: 4q24.
Variant type: single nucleotide variant.
Coding change: c.2409A>T on transcript NM_001127208.3 (MANE Select); coding-DNA position 2409, A replaced by T.
Protein change: p.Gln803His; replaces glutamine 803 with histidine.
Molecular consequence: missense variant.
Genome position (GRCh38, 1-based): chr4:105,236,351, A>T. VCF-style: chr4-105236351-A-T. GRCh37 (hg19) VCF-style: chr4-106157508-A-T.
Other names: c.2409A>T, p.Gln803His (NM_017628.4); short protein forms Q803H.
Identifiers: ClinVar variation 2844598 (VCV002844598.3), dbSNP rs1560545766, ClinGen allele CA357798907.

ClinVar aggregate classification (germline): Uncertain significance (1 of 4 stars; one submission).

Submission:

Labcorp Genetics (formerly Invitae), Labcorp
Classification: Uncertain significance. Last evaluated: 2023-03-09. Review status: criteria provided, single submitter. Criteria: Invitae Variant Classification Sherloc (09022015). Collection method: clinical testing. Allele origin: germline.
Comment: In summary, the available evidence is currently insufficient to determine the role of this variant in disease. Therefore, it has been classified as a Variant of Uncertain Significance. Algorithms developed to predict the effect of missense changes on protein structure and function output the following: SIFT: "Not Available"; PolyPhen-2: "Benign"; Align-GVGD: "Not Available". The histidine amino acid residue is found in multiple mammalian species, which suggests that this missense change does not adversely affect protein function. This variant has not been reported in the literature in individuals affected with TET2-related conditions. This variant is not present in population databases (gnomAD no frequency). This sequence change replaces glutamine, which is neutral and polar, with histidine, which is basic and polar, at codon 803 of the TET2 protein (p.Gln803His).